The following is an entry in ClinVar:

ClinVar aggregate classification (germline): Uncertain significance. Review status: criteria provided, multiple submitters, no conflicts (2 of 4 stars). 2 submissions from 2 submitters: Uncertain significance (2). Last evaluated 2023-06-14.

Conditions:
Hereditary spastic paraplegia 26 (SPG26). Also called: SPASTIC PARAPLEGIA 26, AUTOSOMAL RECESSIVE. Identifiers: Orphanet 101006, MedGen C1836632, MONDO:0012213, OMIM 609195.

Submissions (2):

Baylor Genetics
Classification: Uncertain significance for Hereditary spastic paraplegia 26. Last evaluated: 2023-06-14. Review status: criteria provided, single submitter. Criteria: ACMG Guidelines, 2015. Collection method: clinical testing. Allele origin: unknown.

GeneDx
Classification: Uncertain significance. Last evaluated: 2017-09-18. Review status: criteria provided, single submitter. Criteria: GeneDx Variant Classification (06012015). Collection method: clinical testing. Allele origin: germline. Affected: yes.
Comment: A variant of uncertain significance has been identified in the B4GALNT1 gene. The G467E variant has not been published as a pathogenic variant, nor has it been reported as a benign variant to our knowledge. The G467E variant is not observed in large population cohorts (Lek et al., 2016; 1000 Genomes Consortium et al., 2015; Exome Variant Server). The G467E variant is a non-conservative amino acid substitution, which is likely to impact secondary protein structure as these residues differ in polarity, charge, size and/or other properties. This substitution occurs at a position that is conserved in mammals; and in silico analysis predicts this variant is probably damaging to the protein structure/function. Based on the currently available information, it is unclear whether this variant is a pathogenic variant or a rare benign variant.

NM_001478.5(B4GALNT1):c.1400G>A (p.Gly467Glu)

Gene: B4GALNT1 (beta-1,4-N-acetyl-galactosaminyltransferase 1; minus strand). Cytogenetic location: 12q13.3.
Variant type: single nucleotide variant.
Coding change: c.1400G>A on transcript NM_001478.5 (MANE Select); coding-DNA position 1400, G replaced by A.
Protein change: p.Gly467Glu; replaces glycine 467 with glutamic acid.
Molecular consequence: missense variant.
Genome position (GRCh38, 1-based): chr12:57,626,946, C>T on the plus strand (G>A on the coding strand, the complement: B4GALNT1 is on the minus strand). VCF-style: chr12-57626946-C-T. GRCh37 (hg19) VCF-style: chr12-58020729-C-T.
Other names: c.1235G>A, p.Gly412Glu (NM_001276468.2); short protein forms G467E, G412E.
Identifiers: ClinVar variation 451967 (VCV000451967.3), dbSNP rs1555185818, ClinGen allele CA385493231.
Genomic context (GRCh38, chr12:57,626,946, plus strand): 5'-AGTTTGGATGCATGATCCACCACGACGTCGGAGCAGGAGCCAACCCGAAGGGAACCAAGC[C>T]CATCCAAGAAGAATTCTGGGGGTGGAGGGGAGTACACAGTGAGGGATCCTGAGGGTGCAG-3'
Protein context (NP_001469.1, residues 457-477): RVAHLEFFLD[Gly467Glu]LGSLRVGSCS